The following is an entry in ClinVar:

ClinVar aggregate classification (germline): Likely benign (1 of 4 stars; one submission).

Allele frequency attached by ClinVar (database versions not stated): 1000 Genomes Project 30x 0.00219; 1000 Genomes Project 0.00260; ExAC 0.00398; gnomAD 0.00486; TOPMed 0.00527; gnomAD exomes 0.00547.
gnomAD v4.1: 2,416 of 456,696 alleles (0.53%); highest among the groups gnomAD compares: Non-Finnish European, 0.72%; 15 homozygotes.

Submission:

CeGaT Center for Human Genetics Tuebingen
Classification: Likely benign. Last evaluated: 2025-09-01. Review status: criteria provided, single submitter. Criteria: CeGaT Center For Human Genetics Tuebingen Variant Classification Criteria Version 2. Collection method: clinical testing. Allele origin: germline. Affected: yes. Observed: 4 variant alleles.
Comment: FANCD2: BS2

NM_001018115.3(FANCD2):c.695+696T>C

Genes: FANCD2 (FA complementation group D2; plus strand), LOC107303338 (3p25 FANCD2 Alu-mediated recombination region; plus strand). Cytogenetic location: 3p25.3.
Variant type: single nucleotide variant.
Coding change: c.695+696T>C on transcript NM_001018115.3 (MANE Select); 696 bases into the intron after coding-DNA position 695, T replaced by C.
Molecular consequence: intron variant. On other transcripts: 3 prime UTR variant (1).
Genome position (GRCh38, 1-based): chr3:10,040,541, T>C. VCF-style: chr3-10040541-T-C. GRCh37 (hg19) VCF-style: chr3-10082225-T-C.
Other names: c.*1T>C (NM_001374255.1); c.695+696T>C (NM_001319984.2, NM_001374253.1, NM_033084.6 and 1 more transcripts).
Identifiers: ClinVar variation 2653509 (VCV002653509.24), dbSNP rs141084789, ClinGen allele CA2249321.